The following is an entry in ClinVar:

ClinVar aggregate classification (germline): Conflicting classifications of pathogenicity. Review status: criteria provided, conflicting classifications (1 of 4 stars). 3 submissions from 2 submitters: Uncertain significance (1); Benign (1); Likely benign (1). Last evaluated 2023-11-17.

Conditions:
Maturity-onset diabetes of the young (MODY). Also called: Maturity onset diabetes mellitus in young. Identifiers: Orphanet 552, MedGen C0342276, MONDO:0018911, HP:0004904.
Transitory neonatal diabetes mellitus. Also called: Transient neonatal diabetes mellitus. Identifiers: MedGen C0342273, MONDO:0020525, HP:0008255.

Allele frequency attached by ClinVar (database versions not stated): TOPMed below 0.00001; gnomAD 0.00001; gnomAD exomes 0.00001.
gnomAD v4.1: 10 of 1,546,954 alleles (0.00065%); highest among the groups gnomAD compares: South Asian, 0.0036%; no homozygotes.

Submissions (3):

Labcorp Genetics (formerly Invitae), Labcorp
Classification: Likely benign. Last evaluated: 2023-11-17. Review status: criteria provided, single submitter. Criteria: Invitae Variant Classification Sherloc (09022015). Collection method: clinical testing. Allele origin: germline.

Clinical Genomics, Uppaluri K&H Personalized Medicine Clinic
Classification: Uncertain significance for Transitory neonatal diabetes mellitus. Review status: criteria provided, single submitter. Criteria: K & H Uppaluri Personalized Medicine Clinic Variant Classification & Assertion Criteria_Updated V.1. Collection method: research. Allele origin: somatic. Inheritance: Somatic mutation.
Comment: Mutations in ABCC8 gene are associated with both neonatal diabetes mellitus as well as MODY. Patients with this mutation may have a better response to sulfonylureas. However, no sufficient evidence is found to ascertain the role of this particular variant (rs886048047 ) in neonatal diabetes yet.

Clinical Genomics, Uppaluri K&H Personalized Medicine Clinic
Classification: Benign for Maturity-onset diabetes of the young. Review status: criteria provided, single submitter. Criteria: K & H Uppaluri Personalized Medicine Clinic Variant Classification & Assertion Criteria_Updated V.1. Collection method: research. Allele origin: unknown. Inheritance: Autosomal dominant inheritance.
Comment: Mutations in ABCC8 gene are associated with both neonatal diabetes mellitus as well as MODY. Patients with this mutation may have a better response to sulfonylureas. However, no sufficient evidence is found to ascertain the role of this particular variant (rs886048047) in MODY yet.

Literature cited by the submitters: PubMed 16885549 (cited by Clinical Genomics, Uppaluri K&H Personalized Medicine Clinic); PubMed 21989597 (cited by Clinical Genomics, Uppaluri K&H Personalized Medicine Clinic); PubMed 27538677 (cited by Clinical Genomics, Uppaluri K&H Personalized Medicine Clinic); PubMed 18981553 (cited by Clinical Genomics, Uppaluri K&H Personalized Medicine Clinic); PubMed 32027066 (cited by Clinical Genomics, Uppaluri K&H Personalized Medicine Clinic); PubMed 16613899 (cited by Clinical Genomics, Uppaluri K&H Personalized Medicine Clinic); PubMed 18025408 (cited by Clinical Genomics, Uppaluri K&H Personalized Medicine Clinic); PubMed 32792356 (cited by Clinical Genomics, Uppaluri K&H Personalized Medicine Clinic).

NM_000352.6(ABCC8):c.4307+13A>G

Gene: ABCC8 (ATP binding cassette subfamily C member 8; minus strand). Cytogenetic location: 11p15.1.
Variant type: single nucleotide variant.
Coding change: c.4307+13A>G on transcript NM_000352.6 (MANE Select); 13 bases into the intron after coding-DNA position 4307, A replaced by G.
Molecular consequence: intron variant.
Genome position (GRCh38, 1-based): chr11:17,395,597, T>C on the plus strand (A>G on the coding strand, the complement: ABCC8 is on the minus strand). VCF-style: chr11-17395597-T-C. GRCh37 (hg19) VCF-style: chr11-17417144-T-C.
Other names: c.4304+13A>G (NM_001351297.2); c.4307+13A>G (NM_001351296.2); c.4373+13A>G (NM_001351295.2); c.4310+13A>G (NM_001287174.3).
Identifiers: ClinVar variation 1684039 (VCV001684039.5), dbSNP rs886048047, ClinGen allele CA597904403.
Genomic context (GRCh38, chr11:17,395,597, plus strand): 5'-CTCTTTGTGCTCCAGATCTGATGGAACTGAGCCGGCCTGGGGCTGGGTGGGCCTGAGGGG[T>C]GGTGGGGCTCACCGGATGGTGCCGCTGAAGAGGACGGGGTCCTGCAGGATGATGGAGAGG-3'